The following is an entry in ClinVar:

NM_001174150.2(ARL13B):c.1069C>T (p.His357Tyr)

Gene: ARL13B (ARF like GTPase 13B; plus strand). Cytogenetic location: 3q11.2.
Variant type: single nucleotide variant.
Coding change: c.1069C>T on transcript NM_001174150.2 (MANE Select); coding-DNA position 1069, C replaced by T.
Protein change: p.His357Tyr; replaces histidine 357 with tyrosine.
Molecular consequence: missense variant. On other transcripts: non-coding transcript variant (2).
Genome position (GRCh38, 1-based): chr3:94,049,450, C>T. VCF-style: chr3-94049450-C-T. GRCh37 (hg19) VCF-style: chr3-93768294-C-T.
Other names: c.760C>T, p.His254Tyr (NM_001174151.2); c.1024C>T, p.His342Tyr (NM_001321328.2); c.748C>T, p.His250Tyr (NM_144996.4); c.1069C>T, p.His357Tyr (NM_182896.3); short protein forms H250Y, H254Y, H342Y, H357Y.
Identifiers: ClinVar variation 1006971 (VCV001006971.5), dbSNP rs2077033637, ClinGen allele CA353679437.

ClinVar aggregate classification (germline): Uncertain significance (1 of 4 stars; one submission).

Conditions:
Joubert syndrome 8 (JBTS8). Identifiers: Orphanet 475, MedGen C2676771, MONDO:0012855, OMIM 612291.

Submission:

Labcorp Genetics (formerly Invitae), Labcorp
Classification: Uncertain significance for Joubert syndrome 8. Last evaluated: 2020-08-20. Review status: criteria provided, single submitter. Criteria: Invitae Variant Classification Sherloc (09022015). Collection method: clinical testing. Allele origin: germline.
Comment: This sequence change replaces histidine with tyrosine at codon 357 of the ARL13B protein (p.His357Tyr). The histidine residue is moderately conserved and there is a moderate physicochemical difference between histidine and tyrosine. This variant is not present in population databases (ExAC no frequency). This variant has not been reported in the literature in individuals with ARL13B-related conditions. Algorithms developed to predict the effect of missense changes on protein structure and function are either unavailable or do not agree on the potential impact of this missense change (SIFT: "Tolerated"; PolyPhen-2: "Possibly Damaging"; Align-GVGD: "Class C0"). In summary, the available evidence is currently insufficient to determine the role of this variant in disease. Therefore, it has been classified as a Variant of Uncertain Significance.